The following is an entry in ClinVar:

ClinVar aggregate classification (germline): Uncertain significance (1 of 4 stars; one submission).

Conditions:
Developmental and epileptic encephalopathy, 53. Also called: Epileptic encephalopathy, early infantile, 53. Identifiers: MedGen C4479313, MONDO:0033362, OMIM 617389.
Early-onset Parkinson disease 20. Also called: PARKINSON DISEASE 20, AUTOSOMAL RECESSIVE EARLY-ONSET. Identifiers: Orphanet 391411, MedGen C3809824, MONDO:0014233, OMIM 615530.

Allele frequency attached by ClinVar (database versions not stated): gnomAD 0.00001; gnomAD exomes 0.00001; TOPMed 0.00001; ExAC 0.00002.
gnomAD v4.1: 22 of 1,614,088 alleles (0.0014%); highest among the groups gnomAD compares: Non-Finnish European, 0.0017%; no homozygotes.

Submission:

Labcorp Genetics (formerly Invitae), Labcorp
Classification: Uncertain significance for Developmental and epileptic encephalopathy, 53; Early-onset Parkinson disease 20. Last evaluated: 2024-08-29. Review status: criteria provided, single submitter. Criteria: Invitae Variant Classification Sherloc (09022015). Collection method: clinical testing. Allele origin: germline.
Comment: This sequence change replaces threonine, which is neutral and polar, with isoleucine, which is neutral and non-polar, at codon 1556 of the SYNJ1 protein (p.Thr1556Ile). This variant is present in population databases (rs755473642, gnomAD 0.004%). This variant has not been reported in the literature in individuals affected with SYNJ1-related conditions. ClinVar contains an entry for this variant (Variation ID: 852145). An algorithm developed to predict the effect of missense changes on protein structure and function outputs the following: PolyPhen-2: "Benign". The isoleucine amino acid residue is found in multiple mammalian species, which suggests that this missense change does not adversely affect protein function. In summary, the available evidence is currently insufficient to determine the role of this variant in disease. Therefore, it has been classified as a Variant of Uncertain Significance.

NM_203446.3(SYNJ1):c.*638C>T

Gene: SYNJ1 (synaptojanin 1; minus strand). Cytogenetic location: 21q22.11.
Variant type: single nucleotide variant.
Coding change: c.*638C>T on transcript NM_203446.3 (MANE Select); 638 bases downstream of the stop codon, C replaced by T.
Molecular consequence: 3 prime UTR variant. On other transcripts: missense variant (2).
Genome position (GRCh38, 1-based): chr21:32,631,167, G>A on the plus strand (C>T on the coding strand, the complement: SYNJ1 is on the minus strand). VCF-style: chr21-32631167-G-A. GRCh37 (hg19) VCF-style: chr21-34003477-G-A.
Other names: c.*638C>T (NM_001160302.2); c.4409C>T, p.Thr1470Ile (NM_001160306.2); c.4667C>T, p.Thr1556Ile (NM_003895.4); short protein forms T1556I, T1470I.
Identifiers: ClinVar variation 852145 (VCV000852145.10), dbSNP rs755473642, ClinGen allele CA10003073.
Genomic context (GRCh38, chr21:32,631,167, plus strand): 5'-CTTCTTGACGGCAACACACAGAAGGAGACATTTGTACCTTTATTCCAGTCATCATTCAAT[G>A]TCAGGTTGGAGCCAGAAAATGAACTTGGCTGATTACCCAGTAAGTCTGAACAAGCTGACT-3'